The following is an entry in ClinVar:

ClinVar aggregate classification (germline): Uncertain significance (1 of 4 stars; one submission).

Allele frequency attached by ClinVar (database versions not stated): gnomAD exomes below 0.00001.
gnomAD v4.1: 1 of 1,614,080 alleles (0.000062%); highest among the groups gnomAD compares: Non-Finnish European, 0.000085%; no homozygotes.

Submission:

Labcorp Genetics (formerly Invitae), Labcorp
Classification: Uncertain significance. Last evaluated: 2023-11-06. Review status: criteria provided, single submitter. Criteria: Invitae Variant Classification Sherloc (09022015). Collection method: clinical testing. Allele origin: germline.
Comment: This sequence change replaces aspartic acid, which is acidic and polar, with valine, which is neutral and non-polar, at codon 211 of the CNGA3 protein (p.Asp211Val). This variant is not present in population databases (gnomAD no frequency). This variant has not been reported in the literature in individuals affected with CNGA3-related conditions. ClinVar contains an entry for this variant (Variation ID: 1998634). Advanced modeling of protein sequence and biophysical properties (such as structural, functional, and spatial information, amino acid conservation, physicochemical variation, residue mobility, and thermodynamic stability) performed at Invitae indicates that this missense variant is expected to disrupt CNGA3 protein function with a positive predictive value of 95%. In summary, the available evidence is currently insufficient to determine the role of this variant in disease. Therefore, it has been classified as a Variant of Uncertain Significance.

NM_001298.3(CNGA3):c.632A>T (p.Asp211Val)

Gene: CNGA3 (cyclic nucleotide gated channel subunit alpha 3; plus strand). Cytogenetic location: 2q11.2.
Variant type: single nucleotide variant.
Coding change: c.632A>T on transcript NM_001298.3 (MANE Select); coding-DNA position 632, A replaced by T.
Protein change: p.Asp211Val; replaces aspartic acid 211 with valine.
Molecular consequence: missense variant.
Genome position (GRCh38, 1-based): chr2:98,391,929, A>T. VCF-style: chr2-98391929-A-T. GRCh37 (hg19) VCF-style: chr2-99008392-A-T.
Other names: c.578A>T, p.Asp193Val (NM_001079878.2); short protein forms D193V, D211V.
Identifiers: ClinVar variation 1998634 (VCV001998634.4), dbSNP rs2467017655, ClinGen allele CA347831812.